The following is an entry in ClinVar:

ClinVar aggregate classification (germline): Uncertain significance (1 of 4 stars; one submission).

Conditions:
X-linked agammaglobulinemia with growth hormone deficiency (IGHD3). Also called: FLEISHER SYNDROME; HYPOGAMMAGLOBULINEMIA AND ISOLATED GROWTH HORMONE DEFICIENCY, X-LINKED; IGHD III; Isolated growth hormone deficiency type 3; Growth hormone deficiency with hypogammaglobulinemia; ISOLATED GROWTH HORMONE DEFICIENCY, TYPE III, WITH AGAMMAGLOBULINEMIA. Identifiers: Orphanet 231692, Orphanet 631, MedGen C0472813, MONDO:0010615, OMIM 307200.

Submission:

Labcorp Genetics (formerly Invitae), Labcorp
Classification: Uncertain significance for X-linked agammaglobulinemia with growth hormone deficiency. Last evaluated: 2022-08-31. Review status: criteria provided, single submitter. Criteria: Invitae Variant Classification Sherloc (09022015). Collection method: clinical testing. Allele origin: germline.
Comment: In summary, the available evidence is currently insufficient to determine the role of this variant in disease. Therefore, it has been classified as a Variant of Uncertain Significance. This variant disrupts the p.Lys577 amino acid residue in BTK. Other variant(s) that disrupt this residue have been observed in individuals with BTK-related conditions (PMID: 25777788; Invitae), which suggests that this may be a clinically significant amino acid residue. Advanced modeling of protein sequence and biophysical properties (such as structural, functional, and spatial information, amino acid conservation, physicochemical variation, residue mobility, and thermodynamic stability) performed at Invitae indicates that this missense variant is expected to disrupt BTK protein function. ClinVar contains an entry for this variant (Variation ID: 1370125). This missense change has been observed in individual(s) with agammaglobulinemia (Invitae). This variant is not present in population databases (gnomAD no frequency). This sequence change replaces lysine, which is basic and polar, with threonine, which is neutral and polar, at codon 577 of the BTK protein (p.Lys577Thr).

Literature cited by the submitters: PubMed 25777788.

NM_000061.3(BTK):c.1730A>C (p.Lys577Thr)

Gene: BTK (Bruton tyrosine kinase; minus strand). Cytogenetic location: Xq22.1.
Variant type: single nucleotide variant.
Coding change: c.1730A>C on transcript NM_000061.3 (MANE Select); coding-DNA position 1730, A replaced by C.
Protein change: p.Lys577Thr; replaces lysine 577 with threonine.
Molecular consequence: missense variant.
Genome position (GRCh38, 1-based): chrX:101,353,890, T>G on the plus strand (A>C on the coding strand, the complement: BTK is on the minus strand). VCF-style: chrX-101353890-T-G. GRCh37 (hg19) VCF-style: chrX-100608878-T-G.
Other names: c.1832A>C, p.Lys611Thr (NM_001287344.2); c.1202A>C, p.Lys401Thr (NM_001287345.2); short protein forms K577T, K611T, K401T.
Identifiers: ClinVar variation 1370125 (VCV001370125.8), dbSNP rs2147424863, ClinGen allele CA413920102.